The following is an entry in ClinVar:

NM_133433.4(NIPBL):c.1225G>A (p.Asp409Asn)

Gene: NIPBL (NIPBL cohesin loading factor; plus strand). Cytogenetic location: 5p13.2.
Variant type: single nucleotide variant.
Coding change: c.1225G>A on transcript NM_133433.4 (MANE Select); coding-DNA position 1225, G replaced by A.
Protein change: p.Asp409Asn; replaces aspartic acid 409 with asparagine.
Molecular consequence: missense variant.
Genome position (GRCh38, 1-based): chr5:36,976,132, G>A. VCF-style: chr5-36976132-G-A. GRCh37 (hg19) VCF-style: chr5-36976234-G-A.
Other names: c.1225G>A, p.Asp409Asn (NM_015384.5); short protein forms D409N.
Identifiers: ClinVar variation 3390201 (VCV003390201.14).
Genomic context (GRCh38, chr5:36,976,132, plus strand): 5'-GATATTCCTTTTAATGTGCAGTACCCAGGACAGACTTCAAAAACACCCATTACTCCACAA[G>A]ATATAAACCGCCCACTAAATGCTGCTCAATGTTTGTCGCAGCAAGAACAAACAGCATTCC-3'
Protein context (NP_597677.2, residues 399-419): QTSKTPITPQ[Asp409Asn]INRPLNAAQC

ClinVar aggregate classification (germline): Uncertain significance (1 of 4 stars; one submission).

Submission:

CeGaT Center for Human Genetics Tuebingen
Classification: Uncertain significance. Last evaluated: 2024-11-01. Review status: criteria provided, single submitter. Criteria: CeGaT Center For Human Genetics Tuebingen Variant Classification Criteria Version 2. Collection method: clinical testing. Allele origin: germline. Affected: yes. Observed: 1 variant allele.
Comment: NIPBL: PM2